The following is an entry in ClinVar:

NM_000540.3(RYR1):c.10209G>A (p.Arg3403=)

Gene: RYR1 (ryanodine receptor 1; plus strand). Cytogenetic location: 19q13.2.
Variant type: single nucleotide variant.
Coding change: c.10209G>A on transcript NM_000540.3 (MANE Select); coding-DNA position 10209, G replaced by A.
Protein change: p.Arg3403=; no amino-acid change (arginine 3403 retained).
Molecular consequence: synonymous variant.
Genome position (GRCh38, 1-based): chr19:38,519,404, G>A. VCF-style: chr19-38519404-G-A. GRCh37 (hg19) VCF-style: chr19-39010044-G-A.
Other names: c.10209G>A, p.Arg3403= (NM_001042723.2).
Identifiers: ClinVar variation 1999316 (VCV001999316.5), dbSNP rs1404683801, ClinGen allele CA507354638.

ClinVar aggregate classification (germline): Likely benign. Review status: criteria provided, multiple submitters, no conflicts (2 of 4 stars). 2 submissions from 2 submitters: Likely benign (2). Last evaluated 2023-12-14.

Conditions:
RYR1-related disorder. Also called: RYR1-related disorders; RYR1-related condition. Identifiers: MedGen CN239331.
Malignant hyperthermia, susceptibility to, 1 (MHS1). Also called: RYR1-Related Malignant Hyperthermia Susceptibility; Anesthesia related hyperthermia; Malignant hyperpyrexia; Fulminating hyperpyrexia; Pharmacogenic myopathy; Malignant hyperthermia suceptibility 1. Identifiers: Orphanet 423, MedGen C2930980, MONDO:0007783, OMIM 145600.

Allele frequency attached by ClinVar (database versions not stated): gnomAD exomes below 0.00001.
gnomAD v4.1: 1 of 1,603,098 alleles (0.000062%); highest among the groups gnomAD compares: Admixed American, 0.0017%; no homozygotes.

Submissions (2):

All of Us Research Program, National Institutes of Health
Classification: Likely benign for Malignant hyperthermia, susceptibility to, 1. Last evaluated: 2023-12-14. Review status: criteria provided, single submitter. Criteria: ACMG Guidelines, 2015. Collection method: clinical testing. Allele origin: germline. Inheritance: Autosomal dominant inheritance. Observed: 3 variant alleles, 3 heterozygotes.
Comment: This study involves interpretation of variants in research participants for the purpose of population health screening. Participant phenotype was not available at the time of variant classification. Additional details can be found in publication PMID: 35346344, PMCID: PMC8962531

Labcorp Genetics (formerly Invitae), Labcorp
Classification: Likely benign for RYR1-related disorder. Last evaluated: 2022-05-26. Review status: criteria provided, single submitter. Criteria: Invitae Variant Classification Sherloc (09022015). Collection method: clinical testing. Allele origin: germline.